The following is an entry in ClinVar:

NM_001286.5(CLCN6):c.729del (p.Ala244fs)

Gene: CLCN6 (chloride voltage-gated channel 6; plus strand). Cytogenetic location: 1p36.22.
Variant type: Deletion.
Coding change: c.729del on transcript NM_001286.5 (MANE Select); coding-DNA position 729, one base deleted (A; older notation c.729delA).
Protein change: p.Ala244fs; shifts the reading frame from alanine 244.
Molecular consequence: frameshift variant.
Genome position (GRCh38, 1-based): chr1:11,827,110, A deleted. VCF-style (leftmost placement, unchanged base first): chr1-11827109-CA-C. GRCh37 (hg19) VCF-style: chr1-11887166-CA-C.
Other names: c.663del, p.Ala222fs (NM_001256959.2); short protein forms A244fs, A222fs.
Identifiers: ClinVar variation 1976174 (VCV001976174.5), dbSNP rs1451163435, ClinGen allele CA521193793.

ClinVar aggregate classification (germline): Uncertain significance (1 of 4 stars; one submission).

Allele frequency attached by ClinVar (database versions not stated): gnomAD exomes below 0.00001.

Submission:

Labcorp Genetics (formerly Invitae), Labcorp
Classification: Uncertain significance. Last evaluated: 2022-05-02. Review status: criteria provided, single submitter. Criteria: Invitae Variant Classification Sherloc (09022015). Collection method: clinical testing. Allele origin: germline.
Comment: In summary, the available evidence is currently insufficient to determine the role of this variant in disease. Therefore, it has been classified as a Variant of Uncertain Significance. This sequence change creates a premature translational stop signal (p.Ala244Glnfs*22) in the CLCN6 gene. It is expected to result in an absent or disrupted protein product. However, the current clinical and genetic evidence is not sufficient to establish whether loss-of-function variants in CLCN6 cause disease. This variant is present in population databases (no rsID available, gnomAD 0.003%). This variant has not been reported in the literature in individuals affected with CLCN6-related conditions.